The following is an entry in ClinVar:

NM_001363.5(DKC1):c.915+10G>A

Gene: DKC1 (dyskerin pseudouridine synthase 1; plus strand). Cytogenetic location: Xq28.
Variant type: single nucleotide variant.
Coding change: c.915+10G>A on transcript NM_001363.5 (MANE Select); 10 bases into the intron after coding-DNA position 915, G replaced by A.
Molecular consequence: intron variant.
Genome position (GRCh38, 1-based): chrX:154,769,320, G>A. VCF-style: chrX-154769320-G-A. GRCh37 (hg19) VCF-style: chrX-153997595-G-A.
Other names: c.915+10G>A (NM_001288747.2, NM_001142463.3).
Identifiers: ClinVar variation 755691 (VCV000755691.22), dbSNP rs1603429509, ClinGen allele CA915952073.

ClinVar aggregate classification (germline): Conflicting classifications of pathogenicity. Review status: criteria provided, conflicting classifications (1 of 4 stars). 7 submissions from 7 submitters: Pathogenic (1); Likely pathogenic (3); Uncertain significance (3). Last evaluated 2026-07-22.

Conditions:
Dyskeratosis congenita. Identifiers: Orphanet 1775, MedGen C0265965, MONDO:0015780.
DKC1-related disorder. Also called: DKC1-related condition. Identifiers: MedGen CN294808, MONDO:0100152.
Dyskeratosis congenita, X-linked (DKCX). Also called: Zinsser-Cole-Engman Syndrome. Identifiers: MedGen C1148551, MONDO:0010584, OMIM 305000.

Allele frequency attached by ClinVar (database versions not stated): gnomAD exomes below 0.00001.
gnomAD v4.1: 2 of 1,208,920 alleles (0.00017%); highest among the groups gnomAD compares: Non-Finnish European, 0.00022%; no homozygotes.

Submissions (7):

GeneDx
Classification: Likely pathogenic. Last evaluated: 2026-07-22. Review status: criteria provided, single submitter. Criteria: GeneDx Variant Classification Process June 2021. Collection method: clinical testing. Allele origin: germline.
Comment: In silico analysis supports a deleterious effect on splicing; Not observed at significant frequency in large population cohorts (gnomAD); This variant is associated with the following publications: (PMID: 32123317, Oquendo2023[Functional Study], 34343137, 34663891, 39252027, 38863712, 36542832)

Victorian Clinical Genetics Services, Murdoch Childrens Research Institute
Classification: Likely pathogenic for Dyskeratosis congenita, X-linked. Last evaluated: 2026-03-12. Review status: criteria provided, single submitter. Criteria: ACMG Guidelines, 2015. Collection method: clinical testing. Allele origin: germline. Affected: yes.
Comment: This variant is classified as Likely pathogenic. Evidence in support of pathogenic classification: Non-coding variant proven to affect splicing of the transcript with uncertain effect on protein sequence. Functional analysis using mini-gene assays suggests this variant results in both WT and aberrant transcript expression; further RNA-sequencing analysis shows use of an alternative splice donor site, resulting in intron retention of 11 nucleotides, predicted to result in a premature termination codon, p.(Asn307Serfs*4) (PMIDs: 32123317, 39085356); Variant is present in gnomAD <0.01 for a recessive condition (v4: 1 heterozygote(s), 0 homozygote(s), 1 hemizygote(s)); This variant has moderate previous evidence of pathogenicity in unrelated individuals. This variant has been classified as VUS, likely pathogenic and pathogenic by clinical laboratories in ClinVar. Clinically accredited laboratory assay shows abnormal function of product not specific to the gene. Additional information: This variant is hemizygous; This gene is associated with X-linked disease. Clinical manifestations in heterozygous females have been reported (PMID: 20301779); No comparable non-coding variants have previous evidence for pathogenicity; Loss of function is a known mechanism of disease in this gene and is associated with X-linked dyskeratosis congenita (MIM#305000); Variants in this gene are known to have variable expressivity. Hoyeraal-Hreidarsson syndrome is described as the clinically severe form of dyskeratosis congenita (PMID: 25940403). In addition, it has been found that severity of dyskeratosis congenita correlates with telomere length (PMID: 16332973).

PreventionGenetics, part of Exact Sciences
Classification: Likely pathogenic for DKC1-related condition. Last evaluated: 2025-07-11. Review status: criteria provided, single submitter. Criteria: ACMG Guidelines, 2015. Collection method: clinical testing. Allele origin: germline.
Comment: The DKC1 c.915+10G>A variant is predicted to interfere with splicing. RNA sequencing and subsequent real time PCR products identified an abnormal transcript with the insertion of 11 nucleotides that is predicted to result in p.Asn307Serfs*3 (Wai et al. 2020. PubMed ID: 32123317; Jaramillo Oquendo et al. 2024. PubMed ID: 39252027). This variant has not been reported in a large population database (gnomAD), indicating this variant is rare. In ClinVar, this variant has conflicting interpretations of pathogenic, likely pathogenic, and uncertain significance. This variant is interpreted as likely pathogenic.

Labcorp Genetics (formerly Invitae), Labcorp
Classification: Pathogenic for Dyskeratosis congenita. Last evaluated: 2024-09-22. Review status: criteria provided, single submitter. Criteria: Invitae Variant Classification Sherloc (09022015). Collection method: clinical testing. Allele origin: germline.
Comment: This sequence change falls in intron 9 of the DKC1 gene. It does not directly change the encoded amino acid sequence of the DKC1 protein. This variant is not present in population databases (gnomAD no frequency). This variant has been observed in individuals with clinical features of DKC1-related conditions (PMID: 32123317; internal data). ClinVar contains an entry for this variant (Variation ID: 755691). Algorithms developed to predict the effect of sequence changes on RNA splicing suggest that this variant may disrupt the consensus splice site. For these reasons, this variant has been classified as Pathogenic.

Blueprint Genetics
Classification: Uncertain significance. Last evaluated: 2024-08-09. Review status: criteria provided, single submitter. Criteria: ACMG Guidelines, 2015. Collection method: clinical testing. Allele origin: germline.

Genetic Services Laboratory, University of Chicago
Classification: Uncertain significance. Last evaluated: 2017-10-26. Review status: criteria provided, single submitter. Criteria: ACMG Guidelines, 2015. Collection method: clinical testing. Allele origin: germline. Affected: no.

Ambry Genetics
Classification: Uncertain significance for Dyskeratosis congenita. Last evaluated: 2014-12-15. Review status: criteria provided, single submitter. Criteria: Ambry Variant Classification Scheme 2023. Collection method: clinical testing. Allele origin: germline.
Comment: The c.915+10G>A intronic variant results from a G to A substitution 10 nucleotides after coding exon 9 in the DKC1 gene. This variant was not reported in population based cohorts in the following databases: Database of Single Nucleotide Polymorphisms (dbSNP), NHLBI Exome Sequencing Project (ESP), and 1000 Genomes Project. In the ESP, this variant was not observed in 6503 samples with coverage at this position. This nucleotide position is not well conserved in available vertebrate species. In addition, A is the reference nucleotide in at least 5 species. Using the BDGP and ESEfinder splice site prediction tools, this alteration may strengthen a cryptic alternate donor site; however, direct evidence is unavailable. Since supporting evidence is limited at this time, the clinical significance of this variant remains unclear.

Literature cited by the submitters: PubMed 20301779 (cited by Victorian Clinical Genetics Services, Murdoch Childrens Research Institute); PubMed 34343137 (cited by Victorian Clinical Genetics Services, Murdoch Childrens Research Institute); PubMed 39085356 (cited by Victorian Clinical Genetics Services, Murdoch Childrens Research Institute); PubMed 25940403 (cited by Victorian Clinical Genetics Services, Murdoch Childrens Research Institute); PubMed 32123317 (cited by Victorian Clinical Genetics Services, Murdoch Childrens Research Institute and Labcorp Genetics (formerly Invitae), Labcorp); PubMed 38863712 (cited by Victorian Clinical Genetics Services, Murdoch Childrens Research Institute); PubMed 16332973 (cited by Victorian Clinical Genetics Services, Murdoch Childrens Research Institute); PubMed 36542832 (cited by Victorian Clinical Genetics Services, Murdoch Childrens Research Institute).